The following is an entry in ClinVar:

NM_006929.5(SKIC2):c.178C>T (p.Gln60Ter)

Gene: SKIC2 (SKI2 subunit of superkiller complex; plus strand). Cytogenetic location: 6p21.33.
Variant type: single nucleotide variant.
Coding change: c.178C>T on transcript NM_006929.5 (MANE Select); coding-DNA position 178, C replaced by T.
Protein change: p.Gln60Ter; replaces glutamine 60 with a stop codon.
Molecular consequence: nonsense.
Genome position (GRCh38, 1-based): chr6:31,960,061, C>T. VCF-style: chr6-31960061-C-T. GRCh37 (hg19) VCF-style: chr6-31927838-C-T.
Other names: short protein forms Q60*.
Identifiers: ClinVar variation 2823051 (VCV002823051.3), dbSNP rs2482876788, ClinGen allele CA363434417.

ClinVar aggregate classification (germline): Pathogenic (1 of 4 stars; one submission).

Allele frequency attached by ClinVar (database versions not stated): gnomAD exomes below 0.00001.
gnomAD v4.1: 1 of 1,613,112 alleles (0.000062%); highest among the groups gnomAD compares: Non-Finnish European, 0.000085%; no homozygotes.

Submission:

Labcorp Genetics (formerly Invitae), Labcorp
Classification: Pathogenic. Last evaluated: 2023-09-19. Review status: criteria provided, single submitter. Criteria: Invitae Variant Classification Sherloc (09022015). Collection method: clinical testing. Allele origin: germline.
Comment: This sequence change creates a premature translational stop signal (p.Gln60*) in the SKIV2L gene. It is expected to result in an absent or disrupted protein product. Loss-of-function variants in SKIV2L are known to be pathogenic (PMID: 22444670). For these reasons, this variant has been classified as Pathogenic. This variant has not been reported in the literature in individuals affected with SKIV2L-related conditions. This variant is not present in population databases (gnomAD no frequency).

Literature cited by the submitters: PubMed 22444670.